The following is an entry in ClinVar:

ClinVar aggregate classification (germline): Conflicting classifications of pathogenicity. Review status: criteria provided, conflicting classifications (1 of 4 stars). 2 submissions from 2 submitters: Uncertain significance (1); Likely benign (1). Last evaluated 2025-12-31.

Conditions:
Hereditary cancer-predisposing syndrome. Also called: Neoplastic Syndromes, Hereditary; Hereditary neoplastic syndrome; Hereditary Cancer Syndrome; Tumor predisposition. Identifiers: Orphanet 140162, MedGen C0027672, MeSH D009386, MONDO:0015356.
Hereditary diffuse gastric adenocarcinoma (HDGC). Also called: DIFFUSE GASTRIC AND LOBULAR BREAST CANCER SYNDROME. Identifiers: Orphanet 26106, MedGen C1708349, MONDO:0007648, OMIM 137215.

Allele frequency attached by ClinVar (database versions not stated): gnomAD exomes below 0.00001.
gnomAD v4.1: 1 of 1,614,146 alleles (0.000062%); highest among the groups gnomAD compares: Non-Finnish European, 0.000085%; no homozygotes.

Submissions (2):

Labcorp Genetics (formerly Invitae), Labcorp
Classification: Uncertain significance for Hereditary diffuse gastric adenocarcinoma. Last evaluated: 2025-12-31. Review status: criteria provided, single submitter. Criteria: Invitae Variant Classification Sherloc (09022015). Collection method: clinical testing. Allele origin: germline.
Comment: This sequence change replaces alanine, which is neutral and non-polar, with threonine, which is neutral and polar, at codon 389 of the CDH1 protein (p.Ala389Thr). This variant is not present in population databases (gnomAD no frequency). This variant has not been reported in the literature in individuals affected with CDH1-related conditions. ClinVar contains an entry for this variant (Variation ID: 1403308). An algorithm developed to predict the effect of missense changes on protein structure and function (PolyPhen-2) suggests that this variant is likely to be disruptive. In summary, the available evidence is currently insufficient to determine the role of this variant in disease. Therefore, it has been classified as a Variant of Uncertain Significance.

Ambry Genetics
Classification: Likely benign for Hereditary cancer-predisposing syndrome. Last evaluated: 2024-01-17. Review status: criteria provided, single submitter. Criteria: Ambry Variant Classification Scheme 2023. Collection method: clinical testing. Allele origin: germline.

NM_004360.5(CDH1):c.1165G>A (p.Ala389Thr)

Gene: CDH1 (cadherin 1; plus strand). Cytogenetic location: 16q22.1.
Variant type: single nucleotide variant.
Coding change: c.1165G>A on transcript NM_004360.5 (MANE Select); coding-DNA position 1165, G replaced by A.
Protein change: p.Ala389Thr; replaces alanine 389 with threonine.
Molecular consequence: missense variant. On other transcripts: 5 prime UTR variant (2), intron variant (1).
Genome position (GRCh38, 1-based): chr16:68,813,340, G>A. VCF-style: chr16-68813340-G-A. GRCh37 (hg19) VCF-style: chr16-68847243-G-A.
Other names: c.-451G>A (NM_001317185.2); c.-655G>A (NM_001317186.2); c.1137+1077G>A (NM_001317184.2); short protein forms A389T.
Identifiers: ClinVar variation 1403308 (VCV001403308.10), dbSNP rs1597895749, ClinGen allele CA396461125.